The following is an entry in ClinVar:

ClinVar aggregate classification (germline): Uncertain significance (1 of 4 stars; one submission).

Conditions:
5-Oxoprolinase deficiency (OPLAHD). Also called: 5-OXOPROLINURIA DUE TO 5-OXOPROLINASE DEFICIENCY. Identifiers: Orphanet 33572, MedGen C0268525, MONDO:0009825, OMIM 260005, HP:0040142.

Allele frequency attached by ClinVar (database versions not stated): gnomAD exomes below 0.00001.
gnomAD v4.1: 1 of 1,587,250 alleles (0.000063%); highest among the groups gnomAD compares: Admixed American, 0.0018%; no homozygotes.

Submission:

Labcorp Genetics (formerly Invitae), Labcorp
Classification: Uncertain significance for 5-Oxoprolinase deficiency. Last evaluated: 2022-10-13. Review status: criteria provided, single submitter. Criteria: Invitae Variant Classification Sherloc (09022015). Collection method: clinical testing. Allele origin: germline.
Comment: Experimental studies and prediction algorithms are not available or were not evaluated, and the functional significance of this variant is currently unknown. This variant has not been reported in the literature in individuals affected with OPLAH-related conditions. The frequency data for this variant in the population databases is considered unreliable, as metrics indicate poor data quality at this position in the gnomAD database. This sequence change replaces leucine, which is neutral and non-polar, with phenylalanine, which is neutral and non-polar, at codon 472 of the OPLAH protein (p.Leu472Phe). In summary, the available evidence is currently insufficient to determine the role of this variant in disease. Therefore, it has been classified as a Variant of Uncertain Significance.

NM_017570.5(OPLAH):c.1414C>T (p.Leu472Phe)

Gene: OPLAH (5-oxoprolinase, ATP-hydrolysing; minus strand). Cytogenetic location: 8q24.3.
Variant type: single nucleotide variant.
Coding change: c.1414C>T on transcript NM_017570.5 (MANE Select); coding-DNA position 1414, C replaced by T.
Protein change: p.Leu472Phe; replaces leucine 472 with phenylalanine.
Molecular consequence: missense variant.
Genome position (GRCh38, 1-based): chr8:144,057,456, G>A on the plus strand (C>T on the coding strand, the complement: OPLAH is on the minus strand). VCF-style: chr8-144057456-G-A. GRCh37 (hg19) VCF-style: chr8-145112359-G-A.
Other names: short protein forms L472F.
Identifiers: ClinVar variation 2414142 (VCV002414142.6), dbSNP rs1554759573, ClinGen allele CA372562032.
Genomic context (GRCh38, chr8:144,057,456, plus strand): 5'-GCAGGGAGCAGGGCTGGGGGCAGGACAGGCGGGAGAGCAGAGGTGGACGTACCTGCGTGA[G>A]TGCACGGATGGGCCGGCACATGGCCTCGTTGGCCACGCGCACGAACCCCATGGCCACCTC-3'
Protein context (NP_060040.1, residues 462-482): NEAMCRPIRA[Leu472Phe]TQARGHDPSA